The following is an entry in ClinVar:

NM_000642.3(AGL):c.619G>T (p.Glu207Ter)

Gene: AGL (amylo-alpha-1,6-glucosidase and 4-alpha-glucanotransferase; plus strand). Cytogenetic location: 1p21.2.
Variant type: single nucleotide variant.
Coding change: c.619G>T on transcript NM_000642.3 (MANE Select); coding-DNA position 619, G replaced by T.
Protein change: p.Glu207Ter; replaces glutamic acid 207 with a stop codon.
Molecular consequence: nonsense. On other transcripts: intron variant (2).
Genome position (GRCh38, 1-based): chr1:99,864,544, G>T. VCF-style: chr1-99864544-G-T. GRCh37 (hg19) VCF-style: chr1-100330100-G-T.
Other names: c.619G>T, p.Glu207Ter (NM_000028.3, NM_000643.3, NM_000644.3 and 3 more transcripts); c.571G>T, p.Glu191Ter (NM_000646.3); c.241G>T, p.Glu81Ter (NM_001425332.1); c.460+2121G>T (NM_001425328.1, NM_001425329.1); short protein forms E191*, E207*, E81*.
Identifiers: ClinVar variation 4086172 (VCV004086172.1).

ClinVar aggregate classification (germline): Likely pathogenic (1 of 4 stars; one submission).

Conditions:
Glycogen storage disease type III (GSD3). Also called: FORBES DISEASE; Cori disease. Identifiers: Orphanet 366, MedGen C0017922, MONDO:0009291, OMIM 232400.

Submission:

Neuberg Centre For Genomic Medicine, NCGM
Classification: Likely pathogenic for Glycogen storage disease type III. Review status: criteria provided, single submitter. Criteria: ACMG Guidelines, 2015. Collection method: clinical testing. Allele origin: germline. Inheritance: Autosomal recessive inheritance. Affected: yes.
Comment: This variant is predicted to cause loss of normal protein function either through protein truncation or nonsense-mediated mRNA decay. Loss of function variants have been previously reported to be disease causing (Vega AI,et al.2016). For these reasons, this variant has been classified as Likely Pathogenic